The following is an entry in ClinVar:

ClinVar aggregate classification (germline): Uncertain significance (1 of 4 stars; one submission).

Conditions:
Xanthinuria type II. Also called: Xanthine dehydrogenase and aldehyde oxidase combined deficiency of; XDH and AOX dual deficiency. Identifiers: Orphanet 3467, Orphanet 93602, MedGen C1863688, MONDO:0011346, OMIM 603592.

Submission:

Labcorp Genetics (formerly Invitae), Labcorp
Classification: Uncertain significance for Xanthinuria type II. Last evaluated: 2025-02-04. Review status: criteria provided, single submitter. Criteria: Invitae Variant Classification Sherloc (09022015). Collection method: clinical testing. Allele origin: germline.
Comment: This sequence change falls in intron 29 of the XDH gene. It does not directly change the encoded amino acid sequence of the XDH protein. Information on the frequency of this variant in the gnomAD database is not available, as this variant may be reported differently in the database. This variant has not been reported in the literature in individuals affected with XDH-related conditions. Experimental studies and prediction algorithms are not available or were not evaluated, and the effect of this variant on mRNA splicing is currently unknown. In summary, the available evidence is currently insufficient to determine the role of this variant in disease. Therefore, it has been classified as a Variant of Uncertain Significance.

NM_000379.4(XDH):c.3276+11_3276+12inv

Gene: XDH (xanthine dehydrogenase; minus strand). Cytogenetic location: 2p23.1.
Variant type: Inversion.
Coding change: c.3276+11_3276+12inv on transcript NM_000379.4 (MANE Select).
Molecular consequence: intron variant.
Genome position: GRCh38 VCF-style: chr2-31347510-TG-CA. GRCh37 (hg19) VCF-style: chr2-31570376-TG-CA.
Identifiers: ClinVar variation 4737441 (VCV004737441.1).
Genomic context (GRCh38, chr2:31,347,510, plus strand): 5'-ACCCAGGGAGACTCTCCAGGCCCACAGCTCTGGGCTGGCCCTCTGCTCTGCGGGATCCCA[TG>CA]GGCTCCTTACATAGACGGCCTGTCCATTGAGGTCAGCGCTGACAGAGGCAGCCGTGGGAG-3'